The following is an entry in ClinVar:

NM_213607.3(DNAAF19):c.329G>A (p.Arg110Gln)

Gene: DNAAF19 (dynein axonemal assembly factor 19; plus strand). Cytogenetic location: 17q21.31.
Variant type: single nucleotide variant.
Coding change: c.329G>A on transcript NM_213607.3 (MANE Select); coding-DNA position 329, G replaced by A.
Protein change: p.Arg110Gln; replaces arginine 110 with glutamine.
Molecular consequence: missense variant. On other transcripts: 3 prime UTR variant (3).
Genome position (GRCh38, 1-based): chr17:44,902,417, G>A. VCF-style: chr17-44902417-G-A. GRCh37 (hg19) VCF-style: chr17-42979785-G-A.
Other names: c.329G>A, p.Arg110Gln (NM_001258395.2, NM_001258396.2); c.*79G>A (NM_001258397.3); c.*18G>A (NM_001258398.3, NM_001258399.2); short protein forms R110Q.
Identifiers: ClinVar variation 411699 (VCV000411699.9), dbSNP rs755213252, ClinGen allele CA8608352.

ClinVar aggregate classification (germline): Uncertain significance. Review status: criteria provided, multiple submitters, no conflicts (2 of 4 stars). 2 submissions from 2 submitters: Uncertain significance (2). Last evaluated 2025-01-02.

Conditions:
Primary ciliary dyskinesia. Also called: Ciliary dyskinesia. Identifiers: Orphanet 244, MedGen C0008780, MONDO:0016575, HP:0012265.

Allele frequency attached by ClinVar (database versions not stated): gnomAD 0.00001; TOPMed 0.00003; gnomAD exomes 0.00004; ExAC 0.00006.
gnomAD v4.1: 67 of 1,614,096 alleles (0.0042%); highest among the groups gnomAD compares: East Asian, 0.14%; no homozygotes.

Submissions (2):

Labcorp Genetics (formerly Invitae), Labcorp
Classification: Uncertain significance for Primary ciliary dyskinesia. Last evaluated: 2025-01-02. Review status: criteria provided, single submitter. Criteria: Invitae Variant Classification Sherloc (09022015). Collection method: clinical testing. Allele origin: germline.
Comment: This sequence change replaces arginine, which is basic and polar, with glutamine, which is neutral and polar, at codon 110 of the CCDC103 protein (p.Arg110Gln). This variant is present in population databases (rs755213252, gnomAD 0.06%). This variant has not been reported in the literature in individuals affected with CCDC103-related conditions. ClinVar contains an entry for this variant (Variation ID: 411699). An algorithm developed to predict the effect of missense changes on protein structure and function (PolyPhen-2) suggests that this variant is likely to be disruptive. In summary, the available evidence is currently insufficient to determine the role of this variant in disease. Therefore, it has been classified as a Variant of Uncertain Significance.

Ambry Genetics
Classification: Uncertain significance for Primary ciliary dyskinesia. Last evaluated: 2022-02-20. Review status: criteria provided, single submitter. Criteria: Ambry Variant Classification Scheme 2023. Collection method: clinical testing. Allele origin: germline.
Comment: The p.R110Q variant (also known as c.329G>A), located in coding exon 3 of the CCDC103 gene, results from a G to A substitution at nucleotide position 329. The arginine at codon 110 is replaced by glutamine, an amino acid with highly similar properties. This amino acid position is conserved. In addition, the in silico prediction for this alteration is inconclusive. Since supporting evidence is limited at this time, the clinical significance of this alteration remains unclear.